The following is an entry in ClinVar:

NM_000937.5(POLR2A):c.4922C>G (p.Pro1641Arg)

Gene: POLR2A (RNA polymerase II subunit A; plus strand). Cytogenetic location: 17p13.1.
Variant type: single nucleotide variant.
Coding change: c.4922C>G on transcript NM_000937.5 (MANE Select); coding-DNA position 4922, C replaced by G.
Protein change: p.Pro1641Arg; replaces proline 1641 with arginine.
Molecular consequence: missense variant.
Genome position (GRCh38, 1-based): chr17:7,513,186, C>G. VCF-style: chr17-7513186-C-G. GRCh37 (hg19) VCF-style: chr17-7416505-C-G.
Other names: short protein forms P1641R.
Identifiers: ClinVar variation 5008063 (VCV005008063.1).

ClinVar aggregate classification (germline): Uncertain significance (1 of 4 stars; one submission).

Submission:

GeneDx
Classification: Uncertain significance. Last evaluated: 2026-03-09. Review status: criteria provided, single submitter. Criteria: GeneDx Variant Classification Process June 2021. Collection method: clinical testing. Allele origin: germline.
Comment: Not observed at significant frequency in large population cohorts (gnomAD); In silico analysis supports that this missense variant has a deleterious effect on protein structure/function; Has not been previously published as pathogenic or benign to our knowledge